The following is an entry in ClinVar:

NM_006231.4(POLE):c.6136+5G>C

Gene: POLE (DNA polymerase epsilon, catalytic subunit; minus strand). Cytogenetic location: 12q24.33.
Variant type: single nucleotide variant.
Coding change: c.6136+5G>C on transcript NM_006231.4 (MANE Select); 5 bases into the intron after coding-DNA position 6136, G replaced by C.
Molecular consequence: intron variant.
Genome position (GRCh38, 1-based): chr12:132,632,659, C>G on the plus strand (G>C on the coding strand, the complement: POLE is on the minus strand). VCF-style: chr12-132632659-C-G. GRCh37 (hg19) VCF-style: chr12-133209245-C-G.
Identifiers: ClinVar variation 2850844 (VCV002850844.3), dbSNP rs1555220949, ClinGen allele CA2739277422.

ClinVar aggregate classification (germline): Uncertain significance (1 of 4 stars; one submission).

Submission:

Labcorp Genetics (formerly Invitae), Labcorp
Classification: Uncertain significance. Last evaluated: 2025-04-14. Review status: criteria provided, single submitter. Criteria: Invitae Variant Classification Sherloc (09022015). Collection method: clinical testing. Allele origin: germline.
Comment: This sequence change falls in intron 44 of the POLE gene. It does not directly change the encoded amino acid sequence of the POLE protein. It affects a nucleotide within the consensus splice site. This variant is not present in population databases (gnomAD no frequency). This variant has not been reported in the literature in individuals affected with POLE-related conditions. ClinVar contains an entry for this variant (Variation ID: 2850844). Variants that disrupt the consensus splice site are a relatively common cause of aberrant splicing (PMID: 17576681, 9536098). Algorithms developed to predict the effect of sequence changes on RNA splicing suggest that this variant may disrupt the consensus splice site. In summary, the available evidence is currently insufficient to determine the role of this variant in disease. Therefore, it has been classified as a Variant of Uncertain Significance.

Literature cited by the submitters: PubMed 17576681; PubMed 9536098.